The following is an entry in ClinVar:

ClinVar aggregate classification (germline): Likely benign (1 of 4 stars; one submission).

Submission:

CeGaT Center for Human Genetics Tuebingen
Classification: Likely benign. Last evaluated: 2025-02-01. Review status: criteria provided, single submitter. Criteria: CeGaT Center For Human Genetics Tuebingen Variant Classification Criteria Version 2. Collection method: clinical testing. Allele origin: germline. Affected: yes. Observed: 1 variant allele.
Comment: KRTAP5-10: PM2:Supporting, BP4, BP7

NM_001012710.2(KRTAP5-10):c.228T>G (p.Ser76=)

Gene: KRTAP5-10 (keratin associated protein 5-10; plus strand). Cytogenetic location: 11q13.4.
Variant type: single nucleotide variant.
Coding change: c.228T>G on transcript NM_001012710.2 (MANE Select); coding-DNA position 228, T replaced by G.
Protein change: p.Ser76=; no amino-acid change (serine 76 retained).
Molecular consequence: synonymous variant.
Genome position (GRCh38, 1-based): chr11:71,565,815, T>G. VCF-style: chr11-71565815-T-G. GRCh37 (hg19) VCF-style: chr11-71276861-T-G.
Identifiers: ClinVar variation 3771089 (VCV003771089.13).